The following is an entry in ClinVar:

NM_001267550.2(TTN):c.21956C>T (p.Thr7319Ile)

Gene: TTN (titin; minus strand). Cytogenetic location: 2q31.2.
Variant type: single nucleotide variant.
Coding change: c.21956C>T on transcript NM_001267550.2 (MANE Select); coding-DNA position 21956, C replaced by T.
Protein change: p.Thr7319Ile; replaces threonine 7319 with isoleucine.
Molecular consequence: missense variant. On other transcripts: intron variant (3).
Genome position (GRCh38, 1-based): chr2:178,723,051, G>A on the plus strand (C>T on the coding strand, the complement: TTN is on the minus strand). VCF-style: chr2-178723051-G-A. GRCh37 (hg19) VCF-style: chr2-179587778-G-A.
Other names: c.18224C>T, p.Thr6075Ile (NM_133378.4); c.21005C>T, p.Thr7002Ile (NM_001256850.1); c.13282+15031C>T (NM_003319.4); c.13858+15031C>T (NM_133437.4); c.13657+15031C>T (NM_133432.3); short protein forms T6075I, T7319I, T7002I.
Identifiers: ClinVar variation 229396 (VCV000229396.19), dbSNP rs876658043, ClinGen allele CA10576553.
Genomic context (GRCh38, chr2:178,723,051, plus strand): 5'-CTATGCTACATGTTAGAAGAATGCAAATGATTTAAGAGACAATAAGACAACACACCTAAT[G>A]TAGATACCAGAGCTCCACAAACATCCCTTCCTGCCTCATTTTCAATCTCGCAGGAATACT-3'
Protein context (NP_001254479.2, residues 7309-7329): GRDVCGALVS[Thr7319Ile]LEPPYFVTEL

ClinVar aggregate classification (germline): Conflicting classifications of pathogenicity. Review status: criteria provided, conflicting classifications (1 of 4 stars). 10 submissions from 6 submitters: Uncertain significance (9); Likely benign (1). Last evaluated 2026-05-15.

Conditions:
TTN-related disorder. Also called: TTN-related condition; TTN-related disease; TTN-related disorders.
Early-onset myopathy with fatal cardiomyopathy (CMYO5). Also called: CONGENITAL MYOPATHY 5 WITH CARDIOMYOPATHY; Salih Myopathy. Identifiers: Orphanet 289377, MedGen C2673677, MONDO:0012714, OMIM 611705. Disease mechanism: loss of function.
Dilated cardiomyopathy 1G (CMD1G). Identifiers: Orphanet 154, MedGen C1858763, MONDO:0011400, OMIM 604145.
Autosomal recessive limb-girdle muscular dystrophy type 2J (LGMDR10). Also called: Limb-girdle muscular dystrophy, type 2J; MUSCULAR DYSTROPHY, LIMB-GIRDLE, AUTOSOMAL RECESSIVE 10. Identifiers: Orphanet 140922, MedGen C1837342, MONDO:0012127, OMIM 608807.
Tibial muscular dystrophy (TMD). Also called: Tibial muscular dystrophy, tardive; UDD MYOPATHY; Udd Distal Myopathy – Tibial Muscular Dystrophy. Identifiers: Orphanet 609, MedGen C1838244, MONDO:0010870, OMIM 600334.
Myopathy, myofibrillar, 9, with early respiratory failure (MFM9). Also called: Hereditary myopathy with early respiratory failure; MYOPATHY, PROXIMAL, WITH EARLY RESPIRATORY MUSCLE INVOLVEMENT; Myopathy, distal, with early respiratory failure, autosomal dominant; EDSTROM MYOPATHY. Identifiers: Orphanet 178464, Orphanet 34521, MedGen C1863599, MONDO:0011362, OMIM 603689.

Allele frequency attached by ClinVar (database versions not stated): gnomAD 0.00001 and 0.00002; TOPMed 0.00001.
gnomAD v4.1: 33 of 1,613,190 alleles (0.002%); highest among the groups gnomAD compares: South Asian, 0.0066%; no homozygotes.

Submissions (10):

PreventionGenetics, part of Exact Sciences
Classification: Uncertain significance for TTN-related condition. Last evaluated: 2026-05-15. Review status: criteria provided, single submitter. Criteria: ACMG Guidelines, 2015. Collection method: clinical testing. Allele origin: germline.
Comment: The TTN c.21956C>T variant is predicted to result in the amino acid substitution p.Thr7319Ile. To our knowledge, this variant has not been reported in the literature. This variant is reported in 0.0033% of alleles in individuals of South Asian descent in gnomAD. At this time, the clinical significance of this variant is uncertain due to the absence of conclusive functional and genetic evidence.

Women's Health and Genetics/Laboratory Corporation of America, LabCorp
Classification: Uncertain significance. Last evaluated: 2026-01-19. Review status: criteria provided, single submitter. Criteria: LabCorp Variant Classification Summary - May 2015. Collection method: clinical testing. Allele origin: germline.

CeGaT Center for Human Genetics Tuebingen
Classification: Likely benign. Last evaluated: 2025-04-01. Review status: criteria provided, single submitter. Criteria: CeGaT Center For Human Genetics Tuebingen Variant Classification Criteria Version 2. Collection method: clinical testing. Allele origin: germline. Affected: yes. Observed: 1 variant allele.
Comment: TTN: BP4

Illumina Laboratory Services, Illumina
Classification: Uncertain significance for Autosomal recessive limb-girdle muscular dystrophy type 2J. Last evaluated: 2018-01-13. Review status: criteria provided, single submitter. Criteria: ICSL Variant Classification Criteria 13 December 2019. Collection method: clinical testing. Allele origin: germline.

Illumina Laboratory Services, Illumina
Classification: Uncertain significance for Tibial muscular dystrophy. Last evaluated: 2018-01-13. Review status: criteria provided, single submitter. Criteria: ICSL Variant Classification Criteria 13 December 2019. Collection method: clinical testing. Allele origin: germline.

Illumina Laboratory Services, Illumina
Classification: Uncertain significance for Early-onset myopathy with fatal cardiomyopathy. Last evaluated: 2018-01-13. Review status: criteria provided, single submitter. Criteria: ICSL Variant Classification Criteria 13 December 2019. Collection method: clinical testing. Allele origin: germline.

Illumina Laboratory Services, Illumina
Classification: Uncertain significance for Dilated cardiomyopathy 1G. Last evaluated: 2018-01-13. Review status: criteria provided, single submitter. Criteria: ICSL Variant Classification Criteria 13 December 2019. Collection method: clinical testing. Allele origin: germline.

Illumina Laboratory Services, Illumina
Classification: Uncertain significance for Myopathy, myofibrillar, 9, with early respiratory failure. Last evaluated: 2018-01-13. Review status: criteria provided, single submitter. Criteria: ICSL Variant Classification Criteria 13 December 2019. Collection method: clinical testing. Allele origin: germline.

Athena Diagnostics
Classification: Uncertain significance. Last evaluated: 2017-10-23. Review status: criteria provided, single submitter. Criteria: Athena Diagnostics Criteria. Collection method: clinical testing. Allele origin: germline.

Laboratory for Molecular Medicine, Mass General Brigham Personalized Medicine
Classification: Uncertain significance. Last evaluated: 2015-02-19. Review status: criteria provided, single submitter. Criteria: LMM Criteria. Collection method: clinical testing. Allele origin: germline. Observed: 1 variant allele.
Comment: Variant classified as Uncertain Significance - Favor Benign. The p.Thr6075Ile va riant in TTN has not been previously reported in individuals with cardiomyopathy or in large population studies. Threonine (Thr) at position 6075 is not conserv ed in evolutionarily distant species and the change to isoleucine (Ile) is prese nt in 10 fish species, suggesting that this change may be tolerated. Additional computational prediction tools do not provide strong evidence for or against an impact the protein. In summary, while the clinical significance of the p.Thr6075 Ile variant is uncertain, the presence of the variant amino acid in multiple oth er species suggests that it is more likely to be benign.